The following is an entry in ClinVar:

ClinVar aggregate classification (germline): Pathogenic (1 of 4 stars; one submission).

Submission:

GeneDx
Classification: Pathogenic. Last evaluated: 2024-12-18. Review status: criteria provided, single submitter. Criteria: GeneDx Variant Classification Process June 2021. Collection method: clinical testing. Allele origin: germline. Affected: yes.
Comment: Frameshift variant predicted to result in protein truncation or nonsense mediated decay in a gene for which loss of function is a known mechanism of disease; Not observed at significant frequency in large population cohorts (gnomAD); Identified in an individual and two relatives with features consistent with Holt-Oram syndrome (PMID: 12789647); This variant is associated with the following publications: (PMID: 12789647)

NM_181486.4(TBX5):c.100del (p.Ala34fs)

Gene: TBX5 (T-box transcription factor 5; minus strand). Cytogenetic location: 12q24.21.
Variant type: Deletion.
Coding change: c.100del on transcript NM_181486.4 (MANE Select); coding-DNA position 100, one base deleted (G; older notation c.100delG).
Protein change: p.Ala34fs; shifts the reading frame from alanine 34.
Molecular consequence: frameshift variant. On other transcripts: intron variant (1).
Genome position (GRCh38, 1-based): chr12:114,403,799, C deleted on the plus strand (G on the coding strand, the reverse complement: TBX5 is on the minus strand); the first of 4 consecutive C bases (chr12:114,403,799-114,403,802); deleting any one gives the same sequence. VCF-style (leftmost placement, unchanged base first): chr12-114403798-GC-G. GRCh37 (hg19) VCF-style: chr12-114841603-GC-G.
Other names: c.100del, p.Ala34fs (NM_000192.3); c.-3-1879del (NM_080717.4); short protein forms A34fs.
Identifiers: ClinVar variation 3906453 (VCV003906453.1).